The following is an entry in ClinVar:

ClinVar aggregate classification (germline): Uncertain significance (1 of 4 stars; one submission).

Submission:

Labcorp Genetics (formerly Invitae), Labcorp
Classification: Uncertain significance. Last evaluated: 2025-10-06. Review status: criteria provided, single submitter. Criteria: Invitae Variant Classification Sherloc (09022015). Collection method: clinical testing. Allele origin: germline.
Comment: This sequence change replaces threonine, which is neutral and polar, with proline, which is neutral and non-polar, at codon 160 of the NTHL1 protein (p.Thr160Pro). This variant is not present in population databases (gnomAD no frequency). This variant has not been reported in the literature in individuals affected with NTHL1-related conditions. ClinVar contains an entry for this variant (Variation ID: 1000636). An algorithm developed to predict the effect of missense changes on protein structure and function (PolyPhen-2) suggests that this variant is likely to be disruptive. In summary, the available evidence is currently insufficient to determine the role of this variant in disease. Therefore, it has been classified as a Variant of Uncertain Significance.

NM_002528.7(NTHL1):c.454A>C (p.Thr152Pro)

Gene: NTHL1 (nth like DNA glycosylase 1; minus strand). Cytogenetic location: 16p13.3.
Variant type: single nucleotide variant.
Coding change: c.454A>C on transcript NM_002528.7 (MANE Select); coding-DNA position 454, A replaced by C.
Protein change: p.Thr152Pro; replaces threonine 152 with proline.
Molecular consequence: missense variant. On other transcripts: intron variant (1).
Genome position (GRCh38, 1-based): chr16:2,044,701, T>G on the plus strand (A>C on the coding strand, the complement: NTHL1 is on the minus strand). VCF-style: chr16-2044701-T-G. GRCh37 (hg19) VCF-style: chr16-2094702-T-G.
Other names: c.124A>C, p.Thr42Pro (NM_001318194.2); c.355-975A>C (NM_001318193.2); short protein forms T152P, T42P.
Identifiers: ClinVar variation 1000636 (VCV001000636.7), dbSNP rs1472473035, ClinGen allele CA394294285.